The following is an entry in ClinVar:

ClinVar aggregate classification (germline): Uncertain significance. Review status: criteria provided, multiple submitters, no conflicts (2 of 4 stars). 3 submissions from 3 submitters: Uncertain significance (3). Last evaluated 2025-05-07.

Conditions:
Cardiovascular phenotype. Identifiers: MedGen CN230736.
Hereditary cancer-predisposing syndrome. Also called: Hereditary Cancer Syndrome; Hereditary neoplastic syndrome; Neoplastic Syndromes, Hereditary; Tumor predisposition. Identifiers: Orphanet 140162, MedGen C0027672, MeSH D009386, MONDO:0015356.

Allele frequency attached by ClinVar (database versions not stated): gnomAD exomes below 0.00001.

Submissions (3):

Labcorp Genetics (formerly Invitae), Labcorp
Classification: Uncertain significance. Last evaluated: 2025-05-07. Review status: criteria provided, single submitter. Criteria: Invitae Variant Classification Sherloc (09022015). Collection method: clinical testing. Allele origin: germline.
Comment: This variant, c.1400_1426del, is a complex sequence change that results in the deletion of 10 and insertion of 1 amino acid(s) in the LZTR1 protein (p.Ser467_Gln476delinsLys). This variant is not present in population databases (gnomAD no frequency). This variant has not been reported in the literature in individuals affected with LZTR1-related conditions. ClinVar contains an entry for this variant (Variation ID: 1771778). In summary, the available evidence is currently insufficient to determine the role of this variant in disease. Therefore, it has been classified as a Variant of Uncertain Significance.

Ambry Genetics
Classification: Uncertain significance for Cardiovascular phenotype; Hereditary cancer-predisposing syndrome. Last evaluated: 2025-04-09. Review status: criteria provided, single submitter. Criteria: Ambry Variant Classification Scheme 2023. Collection method: clinical testing. Allele origin: germline.
Comment: The c.1400_1426del27 variant (also known as p.S467_Q476delinsK) is located in coding exon 13 of the LZTR1 gene. This variant results from an in-frame deletion of 27 nucleotides at nucleotide positions 1400 to 1426. This results in the in-frame deletion of 10 residues (SRWLRRKITQ) and the insertion of a lysine residue at codons 467 to 476. This amino acid region is generally not well conserved in available vertebrate species. In addition, this alteration is predicted to be deleterious by in silico analysis (Choi Y et al. PLoS ONE. 2012; 7(10):e46688). Based on the available evidence, the clinical significance of this variant remains unclear.

Blueprint Genetics
Classification: Uncertain significance. Last evaluated: 2024-07-30. Review status: criteria provided, single submitter. Criteria: ACMG Guidelines, 2015. Collection method: clinical testing. Allele origin: germline.

NM_006767.4(LZTR1):c.1400_1426del (p.Ser467_Gln476delinsLys)

Gene: LZTR1 (leucine zipper like post translational regulator 1; plus strand). Cytogenetic location: 22q11.21.
Variant type: Deletion.
Coding change: c.1400_1426del on transcript NM_006767.4 (MANE Select); coding-DNA positions 1400 to 1426, 27 bases deleted (GCCGCTGGCTTCGCAGGAAGATCACGC).
Protein change: p.Ser467_Gln476delinsLys.
Molecular consequence: inframe indel.
Genome position (GRCh38, 1-based): chr22:20,993,970-20,993,996, GCCGCTGGCTTCGCAGGAAGATCACGC deleted. VCF-style (leftmost placement, unchanged base first): chr22-20993969-AGCCGCTGGCTTCGCAGGAAGATCACGC-A. GRCh37 (hg19) VCF-style: chr22-21348258-AGCCGCTGGCTTCGCAGGAAGATCACGC-A.
Identifiers: ClinVar variation 1771778 (VCV001771778.9), dbSNP rs2518620459, ClinGen allele CA2580099172.